The following is an entry in ClinVar:

NM_001291303.3(FAT4):c.61G>C (p.Val21Leu)

Gene: FAT4 (FAT atypical cadherin 4; plus strand). Cytogenetic location: 4q28.1.
Variant type: single nucleotide variant.
Coding change: c.61G>C on transcript NM_001291303.3 (MANE Select); coding-DNA position 61, G replaced by C.
Protein change: p.Val21Leu; replaces valine 21 with leucine.
Molecular consequence: missense variant.
Genome position (GRCh38, 1-based): chr4:125,316,472, G>C. VCF-style: chr4-125316472-G-C. GRCh37 (hg19) VCF-style: chr4-126237627-G-C.
Other names: c.61G>C (NM_024582.5); c.61G>C, p.Val21Leu (NM_001291285.3, NM_024582.6); short protein forms V21L.
Identifiers: ClinVar variation 1958856 (VCV001958856.7), dbSNP rs1730593999, ClinGen allele CA358115020.

ClinVar aggregate classification (germline): Conflicting classifications of pathogenicity. Review status: criteria provided, conflicting classifications (1 of 4 stars). 3 submissions from 3 submitters: Uncertain significance (2); Likely benign (1). Last evaluated 2024-04-20.

Conditions:
Hennekam lymphangiectasia-lymphedema syndrome 2 (HKLLS2). Identifiers: Orphanet 2136, MedGen C4014939, MONDO:0014454, OMIM 616006.
Van Maldergem syndrome 2 (VMLDS2). Identifiers: Orphanet 314679, MedGen C3809875, MONDO:0014242, OMIM 615546.

gnomAD v4.1: 21 of 1,613,864 alleles (0.0013%); highest among the groups gnomAD compares: Non-Finnish European, 0.0017%; no homozygotes.

Submissions (3):

Fulgent Genetics
Classification: Uncertain significance for Van Maldergem syndrome 2; Hennekam lymphangiectasia-lymphedema syndrome 2. Last evaluated: 2024-04-20. Review status: criteria provided, single submitter. Criteria: ACMG Guidelines, 2015. Collection method: clinical testing. Allele origin: germline.

Blueprint Genetics
Classification: Likely benign. Last evaluated: 2023-03-27. Review status: criteria provided, single submitter. Criteria: ACMG Guidelines, 2015. Collection method: clinical testing. Allele origin: germline.

Labcorp Genetics (formerly Invitae), Labcorp
Classification: Uncertain significance. Last evaluated: 2022-06-09. Review status: criteria provided, single submitter. Criteria: Invitae Variant Classification Sherloc (09022015). Collection method: clinical testing. Allele origin: germline.
Comment: In summary, the available evidence is currently insufficient to determine the role of this variant in disease. Therefore, it has been classified as a Variant of Uncertain Significance. Advanced modeling of protein sequence and biophysical properties (such as structural, functional, and spatial information, amino acid conservation, physicochemical variation, residue mobility, and thermodynamic stability) performed at Invitae indicates that this missense variant is not expected to disrupt FAT4 protein function. This variant has not been reported in the literature in individuals affected with FAT4-related conditions. This variant is not present in population databases (gnomAD no frequency). This sequence change replaces valine, which is neutral and non-polar, with leucine, which is neutral and non-polar, at codon 21 of the FAT4 protein (p.Val21Leu).